The following is an entry in ClinVar:

ClinVar aggregate classification (germline): Uncertain significance. Review status: criteria provided, multiple submitters, no conflicts (2 of 4 stars). 3 submissions from 3 submitters: Uncertain significance (3). Last evaluated 2026-03-19.

Conditions:
PROM1-related disorder. Also called: PROM1-related disorders; PROM1-related condition.

Allele frequency attached by ClinVar (database versions not stated): gnomAD exomes below 0.00001 and 0.00001.

Submissions (3):

PreventionGenetics, part of Exact Sciences
Classification: Uncertain significance for PROM1-related condition. Last evaluated: 2026-03-19. Review status: criteria provided, single submitter. Criteria: ACMG Guidelines, 2015. Collection method: clinical testing. Allele origin: germline.
Comment: The PROM1 c.2384G>T variant is predicted to result in the amino acid substitution p.Trp795Leu. To our knowledge, this variant has not been reported in the literature. This variant is reported in 0.0017% of alleles in individuals of European (Non-Finnish) descent in gnomAD. At this time, the clinical significance of this variant is uncertain due to the absence of conclusive functional and genetic evidence.

Blueprint Genetics
Classification: Uncertain significance. Last evaluated: 2022-09-27. Review status: criteria provided, single submitter. Criteria: ACMG Guidelines, 2015. Collection method: clinical testing. Allele origin: germline.

Labcorp Genetics (formerly Invitae), Labcorp
Classification: Uncertain significance. Last evaluated: 2021-04-13. Review status: criteria provided, single submitter. Criteria: Invitae Variant Classification Sherloc (09022015). Collection method: clinical testing. Allele origin: germline.
Comment: In summary, the available evidence is currently insufficient to determine the role of this variant in disease. Therefore, it has been classified as a Variant of Uncertain Significance. Algorithms developed to predict the effect of missense changes on protein structure and function are either unavailable or do not agree on the potential impact of this missense change (SIFT: "Deleterious"; PolyPhen-2: "Probably Damaging"; Align-GVGD: "Class C0"). This variant has not been reported in the literature in individuals with PROM1-related conditions. This variant is not present in population databases (ExAC no frequency). This sequence change replaces tryptophan with leucine at codon 795 of the PROM1 protein (p.Trp795Leu). The tryptophan residue is highly conserved and there is a small physicochemical difference between tryptophan and leucine.

NM_006017.3(PROM1):c.2384G>T (p.Trp795Leu)

Gene: PROM1 (prominin 1; minus strand). Cytogenetic location: 4p15.32.
Variant type: single nucleotide variant.
Coding change: c.2384G>T on transcript NM_006017.3 (MANE Select); coding-DNA position 2384, G replaced by T.
Protein change: p.Trp795Leu; replaces tryptophan 795 with leucine.
Molecular consequence: missense variant.
Genome position (GRCh38, 1-based): chr4:15,980,527, C>A on the plus strand (G>T on the coding strand, the complement: PROM1 is on the minus strand). VCF-style: chr4-15980527-C-A. GRCh37 (hg19) VCF-style: chr4-15982150-C-A.
Other names: c.2357G>T, p.Trp786Leu (NM_001145847.2, NM_001145848.2, NM_001145851.2 and 4 more transcripts); c.2384G>T, p.Trp795Leu (NM_001145849.2, NM_001145850.2); c.2384G>T (NM_006017.2); short protein forms W795L, W786L.
Identifiers: ClinVar variation 1450320 (VCV001450320.10), dbSNP rs1270591286, ClinGen allele CA356426830.